The following is an entry in ClinVar:

ClinVar aggregate classification (germline): Uncertain significance. Review status: criteria provided, multiple submitters, no conflicts (2 of 4 stars). 2 submissions from 2 submitters: Uncertain significance (2). Last evaluated 2024-09-22.

Conditions:
Autosomal dominant hypocalcemia 1 (HYPOC1). Also called: HYPOCALCEMIA, FAMILIAL. Identifiers: MedGen C3715128, MONDO:0011013, OMIM 601198.
Familial hypocalciuric hypercalcemia (FHH). Also called: Familial benign hypercalcemia. Identifiers: Orphanet 405, MedGen C1809471, MONDO:0018458.
Nephrolithiasis/nephrocalcinosis. Identifiers: MedGen CN580796.

Allele frequency attached by ClinVar (database versions not stated): gnomAD exomes 0.00001.
gnomAD v4.1: 13 of 1,614,140 alleles (0.00081%); highest among the groups gnomAD compares: East Asian, 0.02%; no homozygotes.

Submissions (2):

Labcorp Genetics (formerly Invitae), Labcorp
Classification: Uncertain significance for Familial hypocalciuric hypercalcemia; Autosomal dominant hypocalcemia 1. Last evaluated: 2024-09-22. Review status: criteria provided, single submitter. Criteria: Invitae Variant Classification Sherloc (09022015). Collection method: clinical testing. Allele origin: germline.
Comment: This sequence change replaces arginine, which is basic and polar, with glutamine, which is neutral and polar, at codon 1009 of the CASR protein (p.Arg1009Gln). This variant is present in population databases (rs761030318, gnomAD 0.006%). This variant has not been reported in the literature in individuals affected with CASR-related conditions. ClinVar contains an entry for this variant (Variation ID: 851004). An algorithm developed to predict the effect of missense changes on protein structure and function (PolyPhen-2) suggests that this variant is likely to be tolerated. In summary, the available evidence is currently insufficient to determine the role of this variant in disease. Therefore, it has been classified as a Variant of Uncertain Significance.

Ambry Genetics
Classification: Uncertain significance for Nephrolithiasis/nephrocalcinosis. Last evaluated: 2024-01-22. Review status: criteria provided, single submitter. Criteria: Ambry Variant Classification Scheme 2023. Collection method: clinical testing. Allele origin: germline.
Comment: The p.R1009Q variant (also known as c.3026G>A), located in coding exon 6 of the CASR gene, results from a G to A substitution at nucleotide position 3026. The arginine at codon 1009 is replaced by glutamine, an amino acid with highly similar properties. This amino acid position is highly conserved in available vertebrate species. In addition, the in silico prediction for this alteration is inconclusive. In addition, the evidence for the gene-disease relationship is limited for pancreatitis and cancer predisposition; therefore, the clinical significance of this variant for CASR-related pancreatitis and cancer predisposition is unclear. Based on the available evidence, the clinical significance of this alteration remains unclear.

NM_000388.4(CASR):c.3026G>A (p.Arg1009Gln)

Gene: CASR (calcium sensing receptor; plus strand). Cytogenetic location: 3q21.1.
Variant type: single nucleotide variant.
Coding change: c.3026G>A on transcript NM_000388.4 (MANE Select); coding-DNA position 3026, G replaced by A.
Protein change: p.Arg1009Gln; replaces arginine 1009 with glutamine.
Molecular consequence: missense variant.
Genome position (GRCh38, 1-based): chr3:122,284,980, G>A. VCF-style: chr3-122284980-G-A. GRCh37 (hg19) VCF-style: chr3-122003827-G-A.
Other names: c.3056G>A, p.Arg1019Gln (NM_001178065.2); short protein forms R1019Q, R1009Q.
Identifiers: ClinVar variation 851004 (VCV000851004.9), dbSNP rs761030318, ClinGen allele CA2569912.